The following is an entry in ClinVar:

ClinVar aggregate classification (germline): Uncertain significance (1 of 4 stars; one submission).

Conditions:
Hereditary cancer-predisposing syndrome. Also called: Tumor predisposition; Hereditary Cancer Syndrome; Hereditary neoplastic syndrome; Neoplastic Syndromes, Hereditary. Identifiers: Orphanet 140162, MedGen C0027672, MeSH D009386, MONDO:0015356.

Submission:

Ambry Genetics
Classification: Uncertain significance for Hereditary cancer-predisposing syndrome. Last evaluated: 2025-10-23. Review status: criteria provided, single submitter. Criteria: Ambry Variant Classification Scheme 2023. Collection method: clinical testing. Allele origin: germline.
Comment: The p.K388E variant (also known as c.1162A>G), located in coding exon 9 of the STK11 gene, results from an A to G substitution at nucleotide position 1162. The lysine at codon 388 is replaced by glutamic acid, an amino acid with similar properties. This amino acid position is highly conserved in available vertebrate species. In addition, the in silico prediction for this alteration is inconclusive. Since supporting evidence is limited at this time, the clinical significance of this alteration remains unclear.

NM_000455.5(STK11):c.1162A>G (p.Lys388Glu)

Gene: STK11 (serine/threonine kinase 11; plus strand). Cytogenetic location: 19p13.3.
Variant type: single nucleotide variant.
Coding change: c.1162A>G on transcript NM_000455.5 (MANE Select); coding-DNA position 1162, A replaced by G.
Protein change: p.Lys388Glu; replaces lysine 388 with glutamic acid.
Molecular consequence: missense variant.
Genome position (GRCh38, 1-based): chr19:1,226,507, A>G. VCF-style: chr19-1226507-A-G. GRCh37 (hg19) VCF-style: chr19-1226506-A-G.
Other names: short protein forms K388E.
Identifiers: ClinVar variation 486517 (VCV000486517.6), dbSNP rs878853983, ClinGen allele CA402953447.